The following is an entry in ClinVar:

NM_001846.4(COL4A2):c.726G>A (p.Lys242=)

Gene: COL4A2 (collagen type IV alpha 2 chain; plus strand). Cytogenetic location: 13q34.
Variant type: single nucleotide variant.
Coding change: c.726G>A on transcript NM_001846.4 (MANE Select); coding-DNA position 726, G replaced by A.
Protein change: p.Lys242=; no amino-acid change (lysine 242 retained).
Molecular consequence: synonymous variant.
Genome position (GRCh38, 1-based): chr13:110,434,442, G>A. VCF-style: chr13-110434442-G-A. GRCh37 (hg19) VCF-style: chr13-111086789-G-A.
Identifiers: ClinVar variation 1320941 (VCV001320941.7), dbSNP rs1463099199, ClinGen allele CA484792616.

ClinVar aggregate classification (germline): Uncertain significance. Review status: criteria provided, multiple submitters, no conflicts (2 of 4 stars). 2 submissions from 2 submitters: Uncertain significance (2). Last evaluated 2022-07-06.

Allele frequency attached by ClinVar (database versions not stated): gnomAD exomes below 0.00001.
gnomAD v4.1: 3 of 1,613,750 alleles (0.00019%); highest among the groups gnomAD compares: East Asian, 0.0022%; no homozygotes.

Submissions (2):

Labcorp Genetics (formerly Invitae), Labcorp
Classification: Uncertain significance. Last evaluated: 2022-07-06. Review status: criteria provided, single submitter. Criteria: Invitae Variant Classification Sherloc (09022015). Collection method: clinical testing. Allele origin: germline.
Comment: This sequence change affects codon 242 of the COL4A2 mRNA. It is a 'silent' change, meaning that it does not change the encoded amino acid sequence of the COL4A2 protein. This variant also falls at the last nucleotide of exon 12, which is part of the consensus splice site for this exon. This variant is present in population databases (no rsID available, gnomAD 0.003%). This variant has not been reported in the literature in individuals affected with COL4A2-related conditions. ClinVar contains an entry for this variant (Variation ID: 1320941). Variants that disrupt the consensus splice site are a relatively common cause of aberrant splicing (PMID: 17576681, 9536098). Algorithms developed to predict the effect of sequence changes on RNA splicing suggest that this variant may disrupt the consensus splice site. In summary, the available evidence is currently insufficient to determine the role of this variant in disease. Therefore, it has been classified as a Variant of Uncertain Significance.

GeneDx
Classification: Uncertain significance. Last evaluated: 2021-04-07. Review status: criteria provided, single submitter. Criteria: GeneDx Variant Classification Process June 2021. Collection method: clinical testing. Allele origin: germline. Affected: yes.
Comment: Not observed at a significant frequency in large population cohorts (Lek et al., 2016); In silico analysis supports a deleterious effect on splicing; Has not been previously published as pathogenic or benign to our knowledge

Literature cited by the submitters: PubMed 17576681 (cited by Labcorp Genetics (formerly Invitae), Labcorp); PubMed 9536098 (cited by Labcorp Genetics (formerly Invitae), Labcorp).